The following is an entry in ClinVar:

NM_001267550.2(TTN):c.37860C>T (p.Ala12620=)

Gene: TTN (titin; minus strand). Cytogenetic location: 2q31.2.
Variant type: single nucleotide variant.
Coding change: c.37860C>T on transcript NM_001267550.2 (MANE Select); coding-DNA position 37860, C replaced by T.
Protein change: p.Ala12620=; no amino-acid change (alanine 12620 retained).
Molecular consequence: synonymous variant. On other transcripts: intron variant (5).
Genome position (GRCh38, 1-based): chr2:178,657,894, G>A on the plus strand (C>T on the coding strand, the complement: TTN is on the minus strand). VCF-style: chr2-178657894-G-A. GRCh37 (hg19) VCF-style: chr2-179522621-G-A.
Other names: c.13283-15577C>T (NM_003319.4); c.13859-15577C>T (NM_133437.4); c.13658-15577C>T (NM_133432.3); c.31741+1111C>T (NM_133378.4); c.34522+1111C>T (NM_001256850.1).
Identifiers: ClinVar variation 467087 (VCV000467087.15), dbSNP rs1446730289, ClinGen allele CA430112637.

ClinVar aggregate classification (germline): Likely benign. Review status: criteria provided, multiple submitters, no conflicts (2 of 4 stars). 3 submissions from 3 submitters: Likely benign (3). Last evaluated 2026-06-01.

Conditions:
Dilated cardiomyopathy 1G (CMD1G). Identifiers: Orphanet 154, MedGen C1858763, MONDO:0011400, OMIM 604145.
Autosomal recessive limb-girdle muscular dystrophy type 2J (LGMDR10). Also called: Limb-girdle muscular dystrophy, type 2J; MUSCULAR DYSTROPHY, LIMB-GIRDLE, AUTOSOMAL RECESSIVE 10. Identifiers: Orphanet 140922, MedGen C1837342, MONDO:0012127, OMIM 608807.

Allele frequency attached by ClinVar (database versions not stated): gnomAD exomes 0.00010; gnomAD 0.00006.

Submissions (3):

CeGaT Center for Human Genetics Tuebingen
Classification: Likely benign. Last evaluated: 2026-06-01. Review status: criteria provided, single submitter. Criteria: CeGaT Center For Human Genetics Tuebingen Variant Classification Criteria Version 2. Collection method: clinical testing. Allele origin: germline. Affected: yes. Observed: 1 variant allele.
Comment: TTN: BP4, BP7

Blueprint Genetics
Classification: Likely benign. Last evaluated: 2024-10-24. Review status: criteria provided, single submitter. Criteria: ACMG Guidelines, 2015. Collection method: clinical testing. Allele origin: germline.

Labcorp Genetics (formerly Invitae), Labcorp
Classification: Likely benign for Dilated cardiomyopathy 1G; Autosomal recessive limb-girdle muscular dystrophy type 2J. Last evaluated: 2022-10-25. Review status: criteria provided, single submitter. Criteria: Invitae Variant Classification Sherloc (09022015). Collection method: clinical testing. Allele origin: germline.